The following is an entry in ClinVar:

NM_022124.6(CDH23):c.8865_8875dup (p.Ile2959fs)

Gene: CDH23 (cadherin related 23; plus strand). Cytogenetic location: 10q22.1.
Variant type: Duplication.
Coding change: c.8865_8875dup on transcript NM_022124.6 (MANE Select); coding-DNA positions 8865 to 8875, 11 bases duplicated (GCGCGTCAAGA).
Protein change: p.Ile2959fs; shifts the reading frame from isoleucine 2959.
Molecular consequence: frameshift variant.
Genome position (GRCh38, 1-based): chr10:71,809,962-71,809,972, GCGCGTCAAGA duplicated; duplicating any 11 consecutive bases within chr10:71,809,961-71,809,972 gives the same sequence; the c. name uses the placement nearest the transcript's 3' end. VCF-style (leftmost placement, unchanged base first): chr10-71809960-C-CAGCGCGTCAAG. GRCh37 (hg19) VCF-style: chr10-73569717-C-CAGCGCGTCAAG.
Other names: c.2145_2155dup, p.Ile719fs (NM_001171933.1, NM_001171934.1); short protein forms I2959fs, I719fs.
Identifiers: ClinVar variation 3601711 (VCV003601711.1).

ClinVar aggregate classification (germline): Likely pathogenic (1 of 4 stars; one submission).

Conditions:
Autosomal recessive nonsyndromic hearing loss 12. Also called: DEAFNESS, AUTOSOMAL RECESSIVE 12. Identifiers: Orphanet 90636, MedGen C1832394, MONDO:0011067, OMIM 601386.

Submission:

Institute of Rare Diseases, West China Hospital, Sichuan University
Classification: Likely pathogenic for Autosomal recessive nonsyndromic hearing loss 12. Last evaluated: 2025-01-09. Review status: criteria provided, single submitter. Criteria: ClinGen HL ACMG Specifications v1. Collection method: research. Allele origin: germline. Affected: yes.
Comment: PVS1;PM2_Supporting